The following is an entry in ClinVar:

NM_213599.3(ANO5):c.1333-2A>G

Gene: ANO5 (anoctamin 5; plus strand). Cytogenetic location: 11p14.3.
Variant type: single nucleotide variant.
Coding change: c.1333-2A>G on transcript NM_213599.3 (MANE Select); the canonical splice acceptor site of the intron before coding-DNA position 1333, A replaced by G.
Molecular consequence: splice acceptor variant.
Genome position (GRCh38, 1-based): chr11:22,257,678, A>G. VCF-style: chr11-22257678-A-G. GRCh37 (hg19) VCF-style: chr11-22279224-A-G.
Other names: c.1291-2A>G (NM_001410963.1); c.1330-2A>G (NM_001142649.2); c.1288-2A>G (NM_001410964.1).
Identifiers: ClinVar variation 1485424 (VCV001485424.1), dbSNP rs2133730668, ClinGen allele CA379921702.
Genomic context (GRCh38, chr11:22,257,678, plus strand): 5'-GCTTGGAGTCTTGACTTAGAGGGGAGATTTTGAATTTCTTTGTGATTTCTTCAATATTAC[A>G]GGAGATGGAACCTTACATGCCTCTATACACGCGTATTCCATGGTACTTTCTTTCAGGAGC-3'

ClinVar aggregate classification (germline): Likely pathogenic (1 of 4 stars; one submission).

Conditions:
Gnathodiaphyseal dysplasia (GDD). Also called: GNATHODIAPHYSEAL SCLEROSIS; OSTEOGENESIS IMPERFECTA WITH UNUSUAL SKELETAL LESIONS. Identifiers: Orphanet 53697, MedGen C1833736, MONDO:0008151, OMIM 166260.
Autosomal recessive limb-girdle muscular dystrophy type 2L (LGMDR12). Also called: Limb-girdle muscular dystrophy, type 2L; MUSCULAR DYSTROPHY, LIMB-GIRDLE, AUTOSOMAL RECESSIVE 12; Limb-Girdle Muscular Dystrophy R12 Anoctamin-5-Related (LGMD-R12). Identifiers: Orphanet 206549, MedGen C1969785, MONDO:0012652, OMIM 611307.

Submission:

Labcorp Genetics (formerly Invitae), Labcorp
Classification: Likely pathogenic for Autosomal recessive limb-girdle muscular dystrophy type 2L; Gnathodiaphyseal dysplasia. Last evaluated: 2021-10-06. Review status: criteria provided, single submitter. Criteria: Invitae Variant Classification Sherloc (09022015). Collection method: clinical testing. Allele origin: germline.
Comment: This sequence change affects an acceptor splice site in intron 13 of the ANO5 gene. It is expected to disrupt RNA splicing. Variants that disrupt the donor or acceptor splice site typically lead to a loss of protein function (PMID: 16199547), and loss-of-function variants in ANO5 are known to be pathogenic (PMID: 21186264, 23606453, 25891276, 30919934). This variant is not present in population databases (ExAC no frequency). This variant has not been reported in the literature in individuals affected with ANO5-related conditions. Algorithms developed to predict the effect of sequence changes on RNA splicing suggest that this variant may disrupt the consensus splice site. In summary, the currently available evidence indicates that the variant is pathogenic, but additional data are needed to prove that conclusively. Therefore, this variant has been classified as Likely Pathogenic.

Literature cited by the submitters: PubMed 16199547; PubMed 21186264; PubMed 23606453; PubMed 25891276; PubMed 30919934.